The following is an entry in ClinVar:

ClinVar aggregate classification (germline): Uncertain significance (1 of 4 stars; one submission).

gnomAD v4.1: 2 of 1,579,580 alleles (0.00013%); highest among the groups gnomAD compares: East Asian, 0.0047%; no homozygotes.

Submission:

Ambry Genetics
Classification: Uncertain significance. Last evaluated: 2024-12-23. Review status: criteria provided, single submitter. Criteria: Ambry Variant Classification Scheme 2023. Collection method: clinical testing. Allele origin: germline.
Comment: The p.R1732L variant (also known as c.5195G>T), located in coding exon 22 of the WNK2 gene, results from a G to T substitution at nucleotide position 5195. The arginine at codon 1732 is replaced by leucine, an amino acid with dissimilar properties. This amino acid position is conserved. In addition, this alteration is predicted to be tolerated by in silico analysis. Based on the available evidence, the clinical significance of this variant remains unclear.

NM_006648.4(WNK2):c.5195G>T (p.Arg1732Leu)

Gene: WNK2 (WNK lysine deficient protein kinase 2; plus strand). Cytogenetic location: 9q22.31.
Variant type: single nucleotide variant.
Coding change: c.5195G>T on transcript NM_006648.4 (MANE Select); coding-DNA position 5195, G replaced by T.
Protein change: p.Arg1732Leu; replaces arginine 1732 with leucine.
Molecular consequence: missense variant.
Genome position (GRCh38, 1-based): chr9:93,292,660, G>T. VCF-style: chr9-93292660-G-T. GRCh37 (hg19) VCF-style: chr9-96054942-G-T.
Other names: c.5306G>T, p.Arg1769Leu (NM_001282394.3); short protein forms R1769L, R1732L.
Identifiers: ClinVar variation 3816613 (VCV003816613.1).